The following is an entry in ClinVar:

ClinVar aggregate classification (germline): Uncertain significance. Review status: reviewed by expert panel (3 of 4 stars). 2 submissions from 2 submitters: Uncertain significance (1). 1 of the submissions does not count toward it. Last evaluated 2024-05-28.

Conditions:
Mitochondrial disease. Also called: Mitochondrial disorder; Mitochondrial disorders. Identifiers: Orphanet 68380, MedGen C0751651, MeSH D028361, MONDO:0044970.
Myopathy. Identifiers: MedGen C0026848, MeSH D009135, MONDO:0005336, HP:0003198.

Submissions (2):

ClinGen Mitochondrial Disease Nuclear and Mitochondrial  Variant Curation Expert Panel, ClinGen
Classification: Uncertain significance for Mitochondrial disease. Last evaluated: 2024-05-28. Review status: reviewed by expert panel. Criteria: clingen mito disease acmg specifications v1-1. Collection method: curation. Allele origin: germline. Inheritance: Mitochondrial inheritance.
Comment: The m.4369dup variant in MT-TQ has been reported in one individual with primary mitochondrial disease (PMID: 10996779; likely this individual is included in PMID: 17560547). This child had chronic progressive external ophthalmoplegia (CPEO), muscle weakness, ptosis, and progressive dysphonia and dysphagia. Muscle biopsy showed COX-deficient ragged red fibers and there was a decrease in steady state levels of COII and ND1. The variant was present at 87% heteroplasmy in limb muscle, 61% in lid elevator muscle, 23% in fibroblasts, and was undetectable in blood. This variant extends the anticodon loop from seven to eight bases. This variant is absent in the GenBank dataset, Helix dataset, and gnomAD v3.1.2 (PM2_supporting). There are no in silico predictors for this type of variant in mitochondrial DNA. Single fiber testing showed higher levels of the variant in COX-negative fibers (82.7 ± 14.73%; n=16) than in COX-positive red fibers (54.1 ± 18.36%; n=17; p<0.001; PS3_supporting, PMID: 10996779). In summary, this variant meets criteria to be classified as uncertain significance for primary mitochondrial disease inherited in a mitochondrial manner. This classification was approved by the NICHD/NINDS U24 ClinGen Mitochondrial Disease Variant Curation Expert Panel on May 28, 2024. Mitochondrial DNA-specific ACMG/AMP criteria applied (PMID: 32906214): PM2_supporting, PS3_supporting.

OMIM
Classification: Pathogenic for MYOPATHY. Last evaluated: 2000-10-01. Review status: no assertion criteria provided. Collection method: literature only. Allele origin: germline. Not counted in ClinVar's aggregate classification.

Literature cited by the submitters: PubMed 10996779 (cited by ClinGen Mitochondrial Disease Nuclear and Mitochondrial  Variant Curation Expert Panel, ClinGen and OMIM).

NC_012920.1(MT-TQ):m.4369dup

Gene: MT-TQ (mitochondrially encoded tRNA glutamine; minus strand).
Variant type: Duplication.
Genome position: chrM-4365-C-CA.
Identifiers: ClinVar variation 9614 (VCV000009614.2), dbSNP rs199476140, ClinGen allele CA120579.
Genomic context (GRCh38, chrMT:4,365, plus strand): 5'-ATAGGAGCTTAAACCCCCTTATTTCTAGGACTATGAGAATCGAACCCATCCCTGAGAATC[C>CA]AAAATTCTCCGTGCCACCTATCACACCCCATCCTAAAGTAAGGTCAGCTAAATAAGCTAT-3'